The following is an entry in ClinVar:

NM_005902.4(SMAD3):c.372C>A (p.Pro124=)

Gene: SMAD3 (SMAD family member 3; plus strand). Cytogenetic location: 15q22.33.
Variant type: single nucleotide variant.
Coding change: c.372C>A on transcript NM_005902.4 (MANE Select); coding-DNA position 372, C replaced by A.
Protein change: p.Pro124=; no amino-acid change (proline 124 retained).
Molecular consequence: synonymous variant.
Genome position (GRCh38, 1-based): chr15:67,165,060, C>A. VCF-style: chr15-67165060-C-A. GRCh37 (hg19) VCF-style: chr15-67457398-C-A.
Other names: c.57C>A, p.Pro19= (NM_001145102.2); c.240C>A, p.Pro80= (NM_001145103.2).
Identifiers: ClinVar variation 629808 (VCV000629808.13), dbSNP rs765624013, ClinGen allele CA062162.

ClinVar aggregate classification (germline): Benign/Likely benign. Review status: criteria provided, multiple submitters, no conflicts (2 of 4 stars). 4 submissions from 4 submitters: Benign (1); Likely benign (3). Last evaluated 2025-04-28.

Conditions:
Aneurysm-osteoarthritis syndrome. Also called: SMAD3-Related Loeys-Dietz Syndrome; ANEURYSMS-OSTEOARTHRITIS SYNDROME; Loeys-Dietz syndrome, type 1C; LOEYS-DIETZ SYNDROME WITH OSTEOARTHRITIS. Identifiers: Orphanet 284984, MedGen C3151087, MONDO:0013426, OMIM 613795.
Familial thoracic aortic aneurysm and aortic dissection (TAAD). Also called: Thoracic aortic aneurysms and dissections. Identifiers: Orphanet 91387, MedGen C4707243, MONDO:0019625.

Allele frequency attached by ClinVar (database versions not stated): gnomAD 0.00002; TOPMed 0.00005; ExAC 0.00007; gnomAD exomes 0.00008.
gnomAD v4.1: 14 of 1,614,108 alleles (0.00087%); highest among the groups gnomAD compares: East Asian, 0.031%; no homozygotes.

Submissions (4):

Labcorp Genetics (formerly Invitae), Labcorp
Classification: Benign for Familial thoracic aortic aneurysm and aortic dissection. Last evaluated: 2025-04-28. Review status: criteria provided, single submitter. Criteria: Invitae Variant Classification Sherloc (09022015). Collection method: clinical testing. Allele origin: germline.

All of Us Research Program, National Institutes of Health
Classification: Likely benign for Aneurysm-osteoarthritis syndrome. Last evaluated: 2023-11-02. Review status: criteria provided, single submitter. Criteria: ACMG Guidelines, 2015. Collection method: clinical testing. Allele origin: germline. Inheritance: Autosomal dominant inheritance. Observed: 3 variant alleles, 3 heterozygotes.
Comment: This study involves interpretation of variants in research participants for the purpose of population health screening. Participant phenotype was not available at the time of variant classification. Additional details can be found in publication PMID: 35346344, PMCID: PMC8962531

Ambry Genetics
Classification: Likely benign for Familial thoracic aortic aneurysm and aortic dissection. Last evaluated: 2020-03-17. Review status: criteria provided, single submitter. Criteria: Ambry Variant Classification Scheme 2023. Collection method: clinical testing. Allele origin: germline.

Color Diagnostics, LLC DBA Color Health
Classification: Likely benign for Familial thoracic aortic aneurysm and aortic dissection. Last evaluated: 2018-10-22. Review status: criteria provided, single submitter. Criteria: ACMG Guidelines, 2015. Collection method: clinical testing. Allele origin: germline.